The following is an entry in ClinVar:

NM_152424.4(AMER1):c.764G>A (p.Cys255Tyr)

Gene: AMER1 (APC membrane recruitment protein 1; minus strand). Cytogenetic location: Xq11.2.
Variant type: single nucleotide variant.
Coding change: c.764G>A on transcript NM_152424.4 (MANE Select); coding-DNA position 764, G replaced by A.
Protein change: p.Cys255Tyr; replaces cysteine 255 with tyrosine.
Molecular consequence: missense variant.
Genome position (GRCh38, 1-based): chrX:64,192,523, C>T on the plus strand (G>A on the coding strand, the complement: AMER1 is on the minus strand). VCF-style: chrX-64192523-C-T. GRCh37 (hg19) VCF-style: chrX-63412403-C-T.
Other names: short protein forms C255Y.
Identifiers: ClinVar variation 3008968 (VCV003008968.3), dbSNP rs139477886, ClinGen allele CA329957567.

ClinVar aggregate classification (germline): Uncertain significance (1 of 4 stars; one submission).

Allele frequency attached by ClinVar (database versions not stated): TOPMed below 0.00001; ESP Exome Variant Server 0.00009.
gnomAD v4.1: 5 of 1,206,482 alleles (0.00041%); highest among the groups gnomAD compares: Non-Finnish European, 0.00045%; no homozygotes.

Submission:

Labcorp Genetics (formerly Invitae), Labcorp
Classification: Uncertain significance. Last evaluated: 2023-10-13. Review status: criteria provided, single submitter. Criteria: Invitae Variant Classification Sherloc (09022015). Collection method: clinical testing. Allele origin: germline.
Comment: This sequence change replaces cysteine, which is neutral and slightly polar, with tyrosine, which is neutral and polar, at codon 255 of the AMER1 protein (p.Cys255Tyr). This variant is not present in population databases (gnomAD no frequency). This variant has not been reported in the literature in individuals affected with AMER1-related conditions. Algorithms developed to predict the effect of missense changes on protein structure and function output the following: SIFT: "Not Available"; PolyPhen-2: "Benign"; Align-GVGD: "Not Available". The tyrosine amino acid residue is found in multiple mammalian species, which suggests that this missense change does not adversely affect protein function. In summary, the available evidence is currently insufficient to determine the role of this variant in disease. Therefore, it has been classified as a Variant of Uncertain Significance.